The following is an entry in ClinVar:

NM_000142.5(FGFR3):c.155G>A (p.Gly52Asp)

Gene: FGFR3 (fibroblast growth factor receptor 3; plus strand). Cytogenetic location: 4p16.3.
Variant type: single nucleotide variant.
Coding change: c.155G>A on transcript NM_000142.5 (MANE Select); coding-DNA position 155, G replaced by A.
Protein change: p.Gly52Asp; replaces glycine 52 with aspartic acid.
Molecular consequence: missense variant. On other transcripts: non-coding transcript variant (1).
Genome position (GRCh38, 1-based): chr4:1,799,299, G>A. VCF-style: chr4-1799299-G-A. GRCh37 (hg19) VCF-style: chr4-1801026-G-A.
Other names: c.155G>A, p.Gly52Asp (NM_001163213.2, NM_001354809.2, NM_001354810.2 and 1 more transcripts); short protein forms G52D.
Identifiers: ClinVar variation 4857833 (VCV004857833.1).

ClinVar aggregate classification (germline): Uncertain significance (1 of 4 stars; one submission).

Conditions:
FGFR3-related chondrodysplasia. Identifiers: Orphanet 93420, MedGen C5681604, MONDO:0019685.

gnomAD v4.1: 2 of 1,612,740 alleles (0.00012%); highest among the groups gnomAD compares: East Asian, 0.0045%; no homozygotes.

Submission:

Genomenon, Inc
Classification: Uncertain significance for FGFR3-related chondrodysplasia. Last evaluated: 2026-06-23. Review status: criteria provided, single submitter. Criteria: Genomenon Sequence Variant Interpretation Standards - Updated. Collection method: curation. Allele origin: germline. Affected: no.
Comment: FGFR3 p.Gly52Asp (c.155G>A) is a missense variant that changes the amino acid at codon 52 from Glycine to Aspartic acid. This variant has been reported in the published literature (PMID:28768959). It is absent or not present at a significant frequency in gnomAD. In conclusion, we classify FGFR3 p.Gly52Asp (c.155G>A) as a variant of uncertain significance.

Literature cited by the submitters: PubMed 28768959.